The following is an entry in ClinVar:

NC_000007.13:g.(?_26400575)_(26404785_?)del

Gene: SNX10 (sorting nexin 10; plus strand). Cytogenetic location: 7p15.2.
Variant type: Deletion.
Identifiers: ClinVar variation 1071167 (VCV001071167.6).

ClinVar aggregate classification (germline): Pathogenic (1 of 4 stars; one submission).

Submission:

Labcorp Genetics (formerly Invitae), Labcorp
Classification: Pathogenic. Last evaluated: 2022-08-15. Review status: criteria provided, single submitter. Criteria: Invitae Variant Classification Sherloc (09022015). Collection method: clinical testing. Allele origin: germline.
Comment: For these reasons, this variant has been classified as Pathogenic. This variant has not been reported in the literature in individuals affected with SNX10-related conditions. This variant is a gross deletion of the genomic region encompassing exon(s) 3-5 of the SNX10 gene. This deletion is out-of-frame, and is expected to create a premature termination codon and result in an absent or disrupted protein product. Loss-of-function variants in SNX10 are known to be pathogenic (PMID: 23123320, 23280965, 25811986).

Literature cited by the submitters: PubMed 23123320; PubMed 23280965; PubMed 25811986.